The following is an entry in ClinVar:

ClinVar aggregate classification (germline): Uncertain significance (1 of 4 stars; one submission).

Submission:

Labcorp Genetics (formerly Invitae), Labcorp
Classification: Uncertain significance. Last evaluated: 2025-04-22. Review status: criteria provided, single submitter. Criteria: Invitae Variant Classification Sherloc (09022015). Collection method: clinical testing. Allele origin: germline.
Comment: This sequence change replaces methionine, which is neutral and non-polar, with valine, which is neutral and non-polar, at codon 444 of the ZCCHC8 protein (p.Met444Val). This variant is not present in population databases (gnomAD no frequency). This variant has not been reported in the literature in individuals affected with ZCCHC8-related conditions. Invitae Evidence Modeling of protein sequence and biophysical properties (such as structural, functional, and spatial information, amino acid conservation, physicochemical variation, residue mobility, and thermodynamic stability) indicates that this missense variant is expected to disrupt ZCCHC8 protein function with a positive predictive value of 80%. In summary, the available evidence is currently insufficient to determine the role of this variant in disease. Therefore, it has been classified as a Variant of Uncertain Significance.

NM_017612.5(ZCCHC8):c.1330A>G (p.Met444Val)

Gene: ZCCHC8 (zinc finger CCHC-type containing 8; minus strand). Cytogenetic location: 12q24.31.
Variant type: single nucleotide variant.
Coding change: c.1330A>G on transcript NM_017612.5 (MANE Select); coding-DNA position 1330, A replaced by G.
Protein change: p.Met444Val; replaces methionine 444 with valine.
Molecular consequence: missense variant.
Genome position (GRCh38, 1-based): chr12:122,477,856, T>C on the plus strand (A>G on the coding strand, the complement: ZCCHC8 is on the minus strand). VCF-style: chr12-122477856-T-C. GRCh37 (hg19) VCF-style: chr12-122962403-T-C.
Other names: c.1099A>G, p.Met367Val (NM_001350935.2); c.1033A>G, p.Met345Val (NM_001350936.2); c.616A>G, p.Met206Val (NM_001350937.2, NM_001350938.2); short protein forms M206V, M345V, M444V, M367V.
Identifiers: ClinVar variation 4764243 (VCV004764243.1).